The following is an entry in ClinVar:

ClinVar aggregate classification (germline): Likely benign (0 of 4 stars; one submission).

Conditions:
TSR1-related disorder. Also called: TSR1-related condition.

Submission:

PreventionGenetics, part of Exact Sciences
Classification: Likely benign for TSR1-related condition. Last evaluated: 2020-08-04. Review status: no assertion criteria provided. Collection method: clinical testing. Allele origin: germline.
Comment: This variant is classified as likely benign based on ACMG/AMP sequence variant interpretation guidelines (Richards et al. 2015 PMID: 25741868, with internal and published modifications).

NM_018128.5(TSR1):c.803TGG[1] (p.Val269del)

Gene: TSR1 (TSR1 ribosome maturation factor; minus strand). Cytogenetic location: 17p13.3.
Variant type: Microsatellite.
Coding change: c.803TGG[1] on transcript NM_018128.5 (MANE Select); one copy of the 3-base unit TGG starting at c.803; the reference has two copies in a row; one copy, 3 bases deleted.
Protein change: p.Val269del; deletes valine 269.
Genome position (GRCh38, 1-based): chr17:2,334,645-2,334,647, CCA deleted on the plus strand (TGG on the coding strand, the reverse complement: TSR1 is on the minus strand); deleting any 3 consecutive bases within chr17:2,334,645-2,334,650 gives the same sequence; the position shown is the placement nearest the transcript's 3' end. VCF-style (leftmost placement, unchanged base first): chr17-2334644-CCCA-C. GRCh37 (hg19) VCF-style: chr17-2237938-CCCA-C.
Other names: short protein forms V269del.
Identifiers: ClinVar variation 3037933 (VCV003037933.2), dbSNP rs570684854, ClinGen allele CA8280189.